The following is an entry in ClinVar:

NM_000059.4(BRCA2):c.9063A>G (p.Glu3021=)

Gene: BRCA2 (BRCA2 DNA repair associated; plus strand). Cytogenetic location: 13q13.1.
Variant type: single nucleotide variant.
Coding change: c.9063A>G on transcript NM_000059.4 (MANE Select); coding-DNA position 9063, A replaced by G.
Protein change: p.Glu3021=; no amino-acid change (glutamic acid 3021 retained).
Molecular consequence: synonymous variant.
Genome position (GRCh38, 1-based): chr13:32,379,859, A>G. VCF-style: chr13-32379859-A-G. GRCh37 (hg19) VCF-style: chr13-32953996-A-G.
Identifiers: ClinVar variation 183975 (VCV000183975.28), dbSNP rs786201198, ClinGen allele CA025955.
Genomic context (GRCh38, chr13:32,379,859, plus strand): 5'-AGAAGGAAAGAGATACAGAATTTATCATCTTGCAACTTCAAAATCTAAAAGTAAATCTGA[A>G]AGAGCTAACATACAGTTAGCAGCGACAAAAAAAACTCAGTATCAACAACTACCGGTACAA-3'
Protein context (NP_000050.3, residues 3011-3031): LATSKSKSKS[Glu3021=]RANIQLAATK

ClinVar aggregate classification (germline): Likely benign. Review status: reviewed by expert panel (3 of 4 stars). 9 submissions from 9 submitters: Likely benign (1). 8 of the submissions do not count toward it. Last evaluated 2017-06-29.

Conditions:
Hereditary cancer-predisposing syndrome. Also called: Tumor predisposition; Neoplastic Syndromes, Hereditary; Hereditary neoplastic syndrome; Hereditary Cancer Syndrome. Identifiers: Orphanet 140162, MedGen C0027672, MeSH D009386, MONDO:0015356.
Hereditary breast ovarian cancer syndrome. Also called: Hereditary breast and ovarian cancer syndrome; Hereditary breast and ovarian cancer syndrome (HBOC); Hereditary breast and ovarian cancer; Breast and ovarian cancer; BRCA1- and BRCA2-Associated Hereditary Breast and Ovarian Cancer; Hereditary breast and/or ovarian cancer syndrome. Identifiers: Orphanet 145, MedGen C0677776, MeSH D061325, MONDO:0003582. Disease mechanism: loss of function.
Breast-ovarian cancer, familial, susceptibility to, 2 (BROVCA2). Also called: BRCA2 Hereditary Breast and Ovarian Cancer. Identifiers: Orphanet 145, MedGen C2675520, MONDO:0012933, OMIM 612555. Disease mechanism: loss of function.

Allele frequency attached by ClinVar (database versions not stated): gnomAD exomes below 0.00001; TOPMed 0.00001.
gnomAD v4.1: 4 of 1,613,900 alleles (0.00025%); highest among the groups gnomAD compares: Middle Eastern, 0.017%; no homozygotes.

Submissions (9):

Evidence-based Network for the Interpretation of Germline Mutant Alleles (ENIGMA)
Classification: Likely benign for Breast-ovarian cancer, familial, susceptibility to, 2. Last evaluated: 2017-06-29. Review status: reviewed by expert panel. Criteria: ENIGMA BRCA1/2 Classification Criteria (2017-06-29). Collection method: curation. Allele origin: germline.
Comment: Synonymous substitution variant, with low bioinformatic likelihood to result in a splicing aberration (Splicing prior probability 0.02).

Labcorp Genetics (formerly Invitae), Labcorp
Classification: Likely benign for Hereditary breast ovarian cancer syndrome. Last evaluated: 2025-09-11. Review status: criteria provided, single submitter. Criteria: Invitae Variant Classification Sherloc (09022015). Collection method: clinical testing. Allele origin: germline. Not counted in ClinVar's aggregate classification.

All of Us Research Program, National Institutes of Health
Classification: Likely benign for Breast-ovarian cancer, familial, susceptibility to, 2. Last evaluated: 2023-12-18. Review status: criteria provided, single submitter. Criteria: ACMG Guidelines, 2015. Collection method: clinical testing. Allele origin: germline. Inheritance: Autosomal dominant inheritance. Observed: 3 variant alleles, 3 heterozygotes. Not counted in ClinVar's aggregate classification.
Comment: This study involves interpretation of variants in research participants for the purpose of population health screening. Participant phenotype was not available at the time of variant classification. Additional details can be found in publication PMID: 35346344, PMCID: PMC8962531

Blueprint Genetics
Classification: Likely benign. Last evaluated: 2022-08-31. Review status: criteria provided, single submitter. Criteria: ACMG Guidelines, 2015. Collection method: clinical testing. Allele origin: germline. Not counted in ClinVar's aggregate classification.

Women's Health and Genetics/Laboratory Corporation of America, LabCorp
Classification: Likely benign. Last evaluated: 2019-08-21. Review status: criteria provided, single submitter. Criteria: LabCorp Variant Classification Summary - May 2015. Collection method: clinical testing. Allele origin: germline. Not counted in ClinVar's aggregate classification.

Quest Diagnostics Nichols Institute San Juan Capistrano
Classification: Likely benign. Last evaluated: 2019-04-15. Review status: criteria provided, single submitter. Criteria: Quest Diagnostics criteria. Collection method: clinical testing. Allele origin: germline. Not counted in ClinVar's aggregate classification.

Color Diagnostics, LLC DBA Color Health
Classification: Likely benign for Hereditary cancer-predisposing syndrome. Last evaluated: 2018-10-19. Review status: criteria provided, single submitter. Criteria: ACMG Guidelines, 2015. Collection method: clinical testing. Allele origin: germline. Not counted in ClinVar's aggregate classification.

GeneDx
Classification: Likely benign. Last evaluated: 2017-05-04. Review status: criteria provided, single submitter. Criteria: GeneDx Variant Classification (06012015). Collection method: clinical testing. Allele origin: germline. Affected: yes. Not counted in ClinVar's aggregate classification.
Comment: This variant is considered likely benign or benign based on one or more of the following criteria: it is a conservative change, it occurs at a poorly conserved position in the protein, it is predicted to be benign by multiple in silico algorithms, and/or has population frequency not consistent with disease.

Ambry Genetics
Classification: Likely benign for Hereditary cancer-predisposing syndrome. Last evaluated: 2015-09-09. Review status: criteria provided, single submitter. Criteria: Ambry Variant Classification Scheme 2023. Collection method: clinical testing. Allele origin: germline. Not counted in ClinVar's aggregate classification.